The following is an entry in ClinVar:

NM_001267550.2(TTN):c.30704_30707del (p.Lys10235fs)

Gene: TTN (titin; minus strand). Cytogenetic location: 2q31.2.
Variant type: Microsatellite.
Coding change: c.30704_30707del on transcript NM_001267550.2 (MANE Select); coding-DNA positions 30704 to 30707, 4 bases deleted (AAGA; older notation c.30704_30707delAAGA).
Protein change: p.Lys10235fs; shifts the reading frame from lysine 10235.
Molecular consequence: frameshift variant. On other transcripts: intron variant (3).
Genome position (GRCh38, 1-based): chr2:178,698,890-178,698,893, TCTT deleted on the plus strand (AAGA on the coding strand, the reverse complement: TTN is on the minus strand); deleting any 4 consecutive bases within chr2:178,698,890-178,698,897 gives the same sequence; the c. name uses the placement nearest the transcript's 3' end. VCF-style (leftmost placement, unchanged base first): chr2-178698889-ATCTT-A. GRCh37 (hg19) VCF-style: chr2-179563616-ATCTT-A.
Other names: c.29753_29756del, p.Lys9918fs (NM_001256850.1); c.26972_26975del, p.Lys8991fs (NM_133378.4); c.13282+39189_13282+39192del (NM_003319.4); c.13858+39189_13858+39192del (NM_133437.4); c.13657+39189_13657+39192del (NM_133432.3); c.30704_30707delAAGA (NM_001267550.2); short protein forms K10235fs, K8991fs, K9918fs.
Identifiers: ClinVar variation 2631247 (VCV002631247.1), dbSNP rs2474843743, ClinGen allele CA2695196995.

ClinVar aggregate classification (germline): Likely pathogenic (1 of 4 stars; one submission).

Conditions:
TTN-related disorder. Also called: TTN-related condition; TTN-related disease; TTN-related disorders.

Submission:

PreventionGenetics, part of Exact Sciences
Classification: Likely pathogenic for TTN-related condition. Last evaluated: 2023-06-30. Review status: criteria provided, single submitter. Criteria: ACMG Guidelines, 2015. Collection method: clinical testing. Allele origin: germline.
Comment: The TTN c.30704_30707delAAGA variant is predicted to result in a frameshift and premature protein termination (p.Lys10235Metfs*12). To our knowledge, this variant has not been reported in the literature or in a large population database, indicating this variant is rare. This variant is located in the TTN protein I-band region. RNAseq studies from heart tissue indicate this exon is not commonly included in TTN mRNA transcripts (PSI of 80-91%); however, this analysis in muscle tissue was not performed (Roberts et al. 2015. PMID: 25589632). TTN truncating variants in the heterozygous state are reported in 1-2% of presumably healthy individuals and occur more frequently in exons with low PSI values (Herman et al. 2012. PMID: 22335739; Roberts et al. 2015. PMID: 25589632). However, many cases of recessive congenital titinopathies in which the individual is compound heterozygous for two loss of function variants in TTN have also been reported (Ceyhan-Birsoy et al. 2013. PMID: 23975875; Chauveau et al. 2014. PMID: 24105469; Evilä et al. 2016. PMID: 27796757; Ge et al. 2019. PubMed ID: 31053406; Bryen et al. 2020. PubMed ID: 31660661). This variant is interpreted as likely pathogenic for autosomal recessive TTN-related disorders, but remains as a variant of uncertain significance for autosomal dominant TTN-related disorders.